The following is an entry in ClinVar:

NM_001378454.1(ALMS1):c.1069C>A (p.Pro357Thr)

Gene: ALMS1 (ALMS1 centrosome and basal body associated protein; plus strand). Cytogenetic location: 2p13.1.
Variant type: single nucleotide variant.
Coding change: c.1069C>A on transcript NM_001378454.1 (MANE Select); coding-DNA position 1069, C replaced by A.
Protein change: p.Pro357Thr; replaces proline 357 with threonine.
Molecular consequence: missense variant.
Genome position (GRCh38, 1-based): chr2:73,424,734, C>A. VCF-style: chr2-73424734-C-A. GRCh37 (hg19) VCF-style: chr2-73651862-C-A.
Other names: c.1072C>A, p.Pro358Thr (NM_015120.4); short protein forms P357T, P358T.
Identifiers: ClinVar variation 1379397 (VCV001379397.6), dbSNP rs2103715581, ClinGen allele CA347261426.

ClinVar aggregate classification (germline): Uncertain significance (1 of 4 stars; one submission).

Conditions:
Alstrom syndrome (ALMS). Identifiers: Orphanet 64, MedGen C0268425, MONDO:0008763, OMIM 203800.

Submission:

Labcorp Genetics (formerly Invitae), Labcorp
Classification: Uncertain significance for Alstrom syndrome. Last evaluated: 2021-04-04. Review status: criteria provided, single submitter. Criteria: Invitae Variant Classification Sherloc (09022015). Collection method: clinical testing. Allele origin: germline.
Comment: This sequence change replaces proline with threonine at codon 358 of the ALMS1 protein (p.Pro358Thr). The proline residue is weakly conserved and there is a small physicochemical difference between proline and threonine. This variant is not present in population databases (ExAC no frequency). This variant has not been reported in the literature in individuals with ALMS1-related conditions. Experimental studies and prediction algorithms are not available or were not evaluated, and the functional significance of this variant is currently unknown. In summary, the available evidence is currently insufficient to determine the role of this variant in disease. Therefore, it has been classified as a Variant of Uncertain Significance.